The following is an entry in ClinVar:

NM_001009999.3(KDM1A):c.697A>C (p.Ile233Leu)

Gene: KDM1A (lysine demethylase 1A; plus strand). Cytogenetic location: 1p36.12.
Variant type: single nucleotide variant.
Coding change: c.697A>C on transcript NM_001009999.3 (MANE Select); coding-DNA position 697, A replaced by C.
Protein change: p.Ile233Leu; replaces isoleucine 233 with leucine.
Molecular consequence: missense variant.
Genome position (GRCh38, 1-based): chr1:23,050,506, A>C. VCF-style: chr1-23050506-A-C. GRCh37 (hg19) VCF-style: chr1-23376999-A-C.
Other names: c.637A>C, p.Ile213Leu (NM_001363654.2, NM_001410763.1, NM_015013.4); c.697A>C, p.Ile233Leu (NM_001410762.1); short protein forms I213L, I233L.
Identifiers: ClinVar variation 5023064 (VCV005023064.1).
Genomic context (GRCh38, chr1:23,050,506, plus strand): 5'-GCAGCCTGTTTTCCAGATATTATCAGTGGACCACAACAGACCCAGAAGGTTTTTCTTTTC[A>C]TTAGAAACCGCACAGTAAGTTTCCATTTCAGCTTTTTCACCTGGATTATAAAAAGTATAT-3'
Protein context (NP_001009999.1, residues 223-243): PQQTQKVFLF[Ile233Leu]RNRTLQLWLD

ClinVar aggregate classification (germline): Uncertain significance (1 of 4 stars; one submission).

Conditions:
Inborn genetic diseases. Identifiers: MedGen C0950123, MeSH D030342.

gnomAD v4.1: 1 of 1,609,656 alleles (0.000062%); highest among the groups gnomAD compares: South Asian, 0.0011%; no homozygotes.

Submission:

Ambry Genetics
Classification: Uncertain significance for Inborn genetic diseases. Last evaluated: 2026-07-13. Review status: criteria provided, single submitter. Criteria: Ambry Variant Classification Scheme 2023. Collection method: clinical testing. Allele origin: germline.
Comment: The p.I233L variant (also known as c.697A>C), located in coding exon 4 of the KDM1A gene, results from an A to C substitution at nucleotide position 697. The isoleucine at codon 233 is replaced by leucine, an amino acid with highly similar properties. This amino acid position is conserved. In addition, the in silico prediction for this alteration is inconclusive. Based on the available evidence, the clinical significance of this variant remains unclear.